The following is an entry in ClinVar:

ClinVar aggregate classification (germline): Conflicting classifications of pathogenicity. Review status: criteria provided, conflicting classifications (1 of 4 stars). 2 submissions from 2 submitters: Pathogenic (1); Uncertain significance (1). Last evaluated 2024-02-05.

Conditions:
Cardiovascular phenotype. Identifiers: MedGen CN230736.
Hereditary cancer-predisposing syndrome. Also called: Hereditary neoplastic syndrome; Hereditary Cancer Syndrome; Tumor predisposition; Neoplastic Syndromes, Hereditary. Identifiers: Orphanet 140162, MedGen C0027672, MeSH D009386, MONDO:0015356.
Neurofibromatosis, type 1 (NF1). Also called: Neurofibromatosis, type I; Peripheral type neurofibromatosis; VON RECKLINGHAUSEN DISEASE; NEUROFIBROMATOSIS, TYPE I, SOMATIC. Identifiers: Orphanet 636, MedGen C0027831, MONDO:0018975, OMIM 162200. Disease mechanism: loss of function.

Submissions (2):

Labcorp Genetics (formerly Invitae), Labcorp
Classification: Pathogenic for Neurofibromatosis, type 1. Last evaluated: 2024-02-05. Review status: criteria provided, single submitter. Criteria: Invitae Variant Classification Sherloc (09022015). Collection method: clinical testing. Allele origin: germline.
Comment: This sequence change replaces leucine, which is neutral and non-polar, with proline, which is neutral and non-polar, at codon 1624 of the NF1 protein (p.Leu1624Pro). This variant is not present in population databases (gnomAD no frequency). This missense change has been observed in individual(s) with clinical features of neurofibromatosis, type 1 (PMID: 23913538; Invitae). In at least one individual the variant was observed to be de novo. ClinVar contains an entry for this variant (Variation ID: 971132). Advanced modeling of protein sequence and biophysical properties (such as structural, functional, and spatial information, amino acid conservation, physicochemical variation, residue mobility, and thermodynamic stability) performed at Invitae indicates that this missense variant is expected to disrupt NF1 protein function with a positive predictive value of 95%. For these reasons, this variant has been classified as Pathogenic.

Ambry Genetics
Classification: Uncertain significance for Cardiovascular phenotype; Hereditary cancer-predisposing syndrome. Last evaluated: 2023-01-13. Review status: criteria provided, single submitter. Criteria: Ambry Variant Classification Scheme 2023. Collection method: clinical testing. Allele origin: germline.
Comment: The p.L1624P variant (also known as c.4871T>C), located in coding exon 36 of the NF1 gene, results from a T to C substitution at nucleotide position 4871. The leucine at codon 1624 is replaced by proline, an amino acid with similar properties. This variant was identified in 1 of 565 unrelated French probands with clinical diagnoses or suspicion of NF1 (Sabbagh A et al. Hum Mutat, 2013 Nov;34:1510-8). This amino acid position is highly conserved in available vertebrate species. In addition, this alteration is predicted to be deleterious by in silico analysis. Since supporting evidence is limited at this time, the clinical significance of this alteration remains unclear.

Literature cited by the submitters: PubMed 23913538 (cited by Labcorp Genetics (formerly Invitae), Labcorp).

NM_001042492.3(NF1):c.4934T>C (p.Leu1645Pro)

Gene: NF1 (neurofibromin 1; plus strand). Cytogenetic location: 17q11.2.
Variant type: single nucleotide variant.
Coding change: c.4934T>C on transcript NM_001042492.3 (MANE Select); coding-DNA position 4934, T replaced by C.
Protein change: p.Leu1645Pro; replaces leucine 1645 with proline.
Molecular consequence: missense variant.
Genome position (GRCh38, 1-based): chr17:31,325,918, T>C. VCF-style: chr17-31325918-T-C. GRCh37 (hg19) VCF-style: chr17-29652936-T-C.
Other names: c.4871T>C, p.Leu1624Pro (NM_000267.4); short protein forms L1624P, L1645P.
Identifiers: ClinVar variation 971132 (VCV000971132.9), dbSNP rs1555533305, ClinGen allele CA399007143.